The following is an entry in ClinVar:

NM_005327.7(HADH):c.709+33C>T

Gene: HADH (hydroxyacyl-CoA dehydrogenase; plus strand). Cytogenetic location: 4q25.
Variant type: single nucleotide variant.
Coding change: c.709+33C>T on transcript NM_005327.7 (MANE Select); 33 bases into the intron after coding-DNA position 709, C replaced by T.
Molecular consequence: intron variant.
Genome position (GRCh38, 1-based): chr4:108,027,793, C>T. VCF-style: chr4-108027793-C-T. GRCh37 (hg19) VCF-style: chr4-108948949-C-T.
Other names: c.709+33C>T (NM_001184705.4); c.721+33C>T (NM_001331027.2).
Identifiers: ClinVar variation 3034225 (VCV003034225.2), dbSNP rs764217686, ClinGen allele CA3037560.

ClinVar aggregate classification (germline): Likely benign (0 of 4 stars; one submission).

Conditions:
HADH-related disorder. Also called: HADH-related condition.

Allele frequency attached by ClinVar (database versions not stated): ExAC 0.00001; gnomAD exomes 0.00008.
gnomAD v4.1: 84 of 1,266,406 alleles (0.0066%); highest among the groups gnomAD compares: Non-Finnish European, 0.0093%; no homozygotes.

Submission:

PreventionGenetics, part of Exact Sciences
Classification: Likely benign for HADH-related condition. Last evaluated: 2020-03-20. Review status: no assertion criteria provided. Collection method: clinical testing. Allele origin: germline.
Comment: This variant is classified as likely benign based on ACMG/AMP sequence variant interpretation guidelines (Richards et al. 2015 PMID: 25741868, with internal and published modifications).